The following is an entry in ClinVar:

ClinVar aggregate classification (germline): Uncertain significance (1 of 4 stars; one submission).

Allele frequency attached by ClinVar (database versions not stated): gnomAD exomes below 0.00001; TOPMed below 0.00001.
gnomAD v4.1: 1 of 1,211,980 alleles (0.000083%); no homozygotes.

Submission:

GeneDx
Classification: Uncertain significance. Last evaluated: 2019-10-21. Review status: criteria provided, single submitter. Criteria: GeneDx Variant Classification Process June 2021. Collection method: clinical testing. Allele origin: germline. Affected: yes.
Comment: Not observed in large population cohorts (Lek et al., 2016); In silico analysis, which includes protein predictors and evolutionary conservation, supports that this variant does not alter protein structure/function; Has not been previously published as pathogenic or benign to our knowledge

NM_001039591.3(USP9X):c.52C>G (p.Gln18Glu)

Gene: USP9X (ubiquitin specific peptidase 9 X-linked; plus strand). Cytogenetic location: Xp11.4.
Variant type: single nucleotide variant.
Coding change: c.52C>G on transcript NM_001039591.3 (MANE Select); coding-DNA position 52, C replaced by G.
Protein change: p.Gln18Glu; replaces glutamine 18 with glutamic acid.
Molecular consequence: missense variant.
Genome position (GRCh38, 1-based): chrX:41,123,680, C>G. VCF-style: chrX-41123680-C-G. GRCh37 (hg19) VCF-style: chrX-40982933-C-G.
Other names: c.52C>G, p.Gln18Glu (NM_001039590.3); short protein forms Q18E.
Identifiers: ClinVar variation 1309601 (VCV001309601.2), dbSNP rs2062209732, ClinGen allele CA412758682.
Genomic context (GRCh38, chrX:41,123,680, plus strand): 5'-GTGTCGAGTATGACAGCCACGACTCGTGGCTCTCCGGTCGGAGGGAATGACAACCAGGGC[C>G]AGGCTCCTGATGGACAGTCTCAGCCCCCCCTCCAACAGAATCAGGTAGGATGTTGAAGAT-3'
Protein context (NP_001034680.2, residues 8-28): SPVGGNDNQG[Gln18Glu]APDGQSQPPL